The following is an entry in ClinVar:

ClinVar aggregate classification (germline): Pathogenic (1 of 4 stars; one submission).

Submission:

Labcorp Genetics (formerly Invitae), Labcorp
Classification: Pathogenic. Last evaluated: 2023-02-10. Review status: criteria provided, single submitter. Criteria: Invitae Variant Classification Sherloc (09022015). Collection method: clinical testing. Allele origin: germline.
Comment: This sequence change replaces glycine, which is neutral and non-polar, with aspartic acid, which is acidic and polar, at codon 2623 of the COL7A1 protein (p.Gly2623Asp). This variant is not present in population databases (gnomAD no frequency). This missense change has been observed in individual(s) with dystrophic epidermolysis bullosa (PMID: 16971478, 22901038). Advanced modeling of protein sequence and biophysical properties (such as structural, functional, and spatial information, amino acid conservation, physicochemical variation, residue mobility, and thermodynamic stability) performed at Invitae indicates that this missense variant is expected to disrupt COL7A1 protein function. For these reasons, this variant has been classified as Pathogenic.

Literature cited by the submitters: PubMed 16971478; PubMed 22901038.

NM_000094.4(COL7A1):c.7868G>A (p.Gly2623Asp)

Gene: COL7A1 (collagen type VII alpha 1 chain; minus strand). Cytogenetic location: 3p21.31.
Variant type: single nucleotide variant.
Coding change: c.7868G>A on transcript NM_000094.4 (MANE Select); coding-DNA position 7868, G replaced by A.
Protein change: p.Gly2623Asp; replaces glycine 2623 with aspartic acid.
Molecular consequence: missense variant.
Genome position (GRCh38, 1-based): chr3:48,568,097, C>T on the plus strand (G>A on the coding strand, the complement: COL7A1 is on the minus strand). VCF-style: chr3-48568097-C-T. GRCh37 (hg19) VCF-style: chr3-48605530-C-T.
Other names: short protein forms G2623D.
Identifiers: ClinVar variation 2203355 (VCV002203355.4), dbSNP rs2530829576, ClinGen allele CA352641796.
Genomic context (GRCh38, chr3:48,568,097, plus strand): 5'-TTCAACATTAGGCCTTCCTGACCAGAAAAAAACCAATCTTGTTTCTTTCCTACCTTGAGG[C>T]CCCGGGGACCCATGAAGCCAACATCTCCTTTTTCTCCTCGGATACCAGGCACTCCATCCT-3'
Protein context (NP_000085.1, residues 2613-2633): KGDVGFMGPR[Gly2623Asp]LKGERGVKGA